The following is an entry in ClinVar:

NM_001161352.2(KCNMA1):c.187G>C (p.Glu63Gln)

Gene: KCNMA1 (potassium calcium-activated channel subfamily M alpha 1; minus strand). Cytogenetic location: 10q22.3.
Variant type: single nucleotide variant.
Coding change: c.187G>C on transcript NM_001161352.2 (MANE Select); coding-DNA position 187, G replaced by C.
Protein change: p.Glu63Gln; replaces glutamic acid 63 with glutamine.
Molecular consequence: missense variant.
Genome position (GRCh38, 1-based): chr10:77,637,456, C>G on the plus strand (G>C on the coding strand, the complement: KCNMA1 is on the minus strand). VCF-style: chr10-77637456-C-G. GRCh37 (hg19) VCF-style: chr10-79397214-C-G.
Other names: c.187G>C, p.Glu63Gln (NM_001014797.3, NM_001161353.2, NM_001271518.2 and 12 more transcripts); short protein forms E63Q.
Identifiers: ClinVar variation 648849 (VCV000648849.11), dbSNP rs749265202, ClinGen allele CA5568786.
Genomic context (GRCh38, chr10:77,637,456, plus strand): 5'-CCCGGCTGTCGCACGGCACCTCCATGGTCACCGGGATGATGAGCGCATCCATCTTGGGCT[C>G]GTGGACCGAGGACGAGGAGGAAGAGGAGGAGGAAGAAGAAGAAGAGGAAGAGGAGGAGGA-3'
Protein context (NP_001154824.1, residues 53-73): SSSSSSSSVH[Glu63Gln]PKMDALIIPV

ClinVar aggregate classification (germline): Conflicting classifications of pathogenicity. Review status: criteria provided, conflicting classifications (1 of 4 stars). 3 submissions from 3 submitters: Uncertain significance (2); Likely benign (1). Last evaluated 2024-04-23.

Conditions:
Generalized epilepsy-paroxysmal dyskinesia syndrome (PNKD3). Also called: Generalized epilepsy and paroxysmal dyskinesia; Paroxysmal nonkinesigenic dyskinesia, 3, with or without generalized epilepsy. Identifiers: Orphanet 79137, MedGen C5574945, MONDO:0012276, OMIM 609446.
Cerebellar atrophy, developmental delay, and seizures. Identifiers: MedGen C4539985, MONDO:0060551, OMIM 617643.
Epilepsy, idiopathic generalized, susceptibility to, 16. Identifiers: MedGen C5231421, MONDO:0032827, OMIM 618596.
Liang-Wang syndrome. Identifiers: Orphanet 664438, MedGen C5231479, MONDO:0032886, OMIM 618729.
Inborn genetic diseases. Identifiers: MedGen C0950123, MeSH D030342.

Allele frequency attached by ClinVar (database versions not stated): gnomAD exomes below 0.00001; TOPMed below 0.00001; ExAC 0.00001; gnomAD 0.00001.
gnomAD v4.1: 9 of 1,612,488 alleles (0.00056%); highest among the groups gnomAD compares: Middle Eastern, 0.033%; no homozygotes.

Submissions (3):

Ambry Genetics
Classification: Likely benign for Inborn genetic diseases. Last evaluated: 2024-04-23. Review status: criteria provided, single submitter. Criteria: Ambry Variant Classification Scheme 2023. Collection method: clinical testing. Allele origin: germline.

Labcorp Genetics (formerly Invitae), Labcorp
Classification: Uncertain significance for Generalized epilepsy-paroxysmal dyskinesia syndrome. Last evaluated: 2023-03-20. Review status: criteria provided, single submitter. Criteria: Invitae Variant Classification Sherloc (09022015). Collection method: clinical testing. Allele origin: germline.
Comment: This sequence change replaces glutamic acid, which is acidic and polar, with glutamine, which is neutral and polar, at codon 63 of the KCNMA1 protein (p.Glu63Gln). This variant is present in population databases (rs749265202, gnomAD 0.002%). This variant has not been reported in the literature in individuals affected with KCNMA1-related conditions. ClinVar contains an entry for this variant (Variation ID: 648849). An algorithm developed to predict the effect of missense changes on protein structure and function (PolyPhen-2) suggests that this variant is likely to be tolerated. In summary, the available evidence is currently insufficient to determine the role of this variant in disease. Therefore, it has been classified as a Variant of Uncertain Significance.

Department of Pathology and Laboratory Medicine, Sinai Health System
Classification: Uncertain significance for Generalized epilepsy-paroxysmal dyskinesia syndrome; Cerebellar atrophy, developmental delay, and seizures; Epilepsy, idiopathic generalized, susceptibility to, 16; Liang-Wang syndrome. Last evaluated: 2020-05-31. Review status: criteria provided, single submitter. Criteria: ACMG Guidelines, 2015. Collection method: research. Allele origin: germline.